The following is an entry in ClinVar:

ClinVar aggregate classification (germline): Uncertain significance. Review status: criteria provided, multiple submitters, no conflicts (2 of 4 stars). 2 submissions from 2 submitters: Uncertain significance (2). Last evaluated 2025-02-20.

Conditions:
Inborn genetic diseases. Identifiers: MedGen C0950123, MeSH D030342.
Nephronophthisis. Also called: Juvenile Nephronophthisis. Identifiers: Orphanet 655, MedGen C0687120, MONDO:0019005, HP:0000090.

Allele frequency attached by ClinVar (database versions not stated): TOPMed 0.00001; ExAC 0.00001; gnomAD 0.00001.
gnomAD v4.1: 4 of 1,613,240 alleles (0.00025%); highest among the groups gnomAD compares: Admixed American, 0.0017%; no homozygotes.

Submissions (2):

Ambry Genetics
Classification: Uncertain significance for Inborn genetic diseases. Last evaluated: 2025-02-20. Review status: criteria provided, single submitter. Criteria: Ambry Variant Classification Scheme 2023. Collection method: clinical testing. Allele origin: germline.

Labcorp Genetics (formerly Invitae), Labcorp
Classification: Uncertain significance for Nephronophthisis. Last evaluated: 2024-11-11. Review status: criteria provided, single submitter. Criteria: Invitae Variant Classification Sherloc (09022015). Collection method: clinical testing. Allele origin: germline.
Comment: This sequence change replaces valine, which is neutral and non-polar, with methionine, which is neutral and non-polar, at codon 787 of the NPHP4 protein (p.Val787Met). This variant is present in population databases (rs753373132, gnomAD 0.003%). This variant has not been reported in the literature in individuals affected with NPHP4-related conditions. ClinVar contains an entry for this variant (Variation ID: 1051187). Invitae Evidence Modeling of protein sequence and biophysical properties (such as structural, functional, and spatial information, amino acid conservation, physicochemical variation, residue mobility, and thermodynamic stability) indicates that this missense variant is not expected to disrupt NPHP4 protein function with a negative predictive value of 80%. In summary, the available evidence is currently insufficient to determine the role of this variant in disease. Therefore, it has been classified as a Variant of Uncertain Significance.

NM_015102.5(NPHP4):c.2359G>A (p.Val787Met)

Gene: NPHP4 (nephrocystin 4; minus strand). Cytogenetic location: 1p36.31.
Variant type: single nucleotide variant.
Coding change: c.2359G>A on transcript NM_015102.5 (MANE Select); coding-DNA position 2359, G replaced by A.
Protein change: p.Val787Met; replaces valine 787 with methionine.
Molecular consequence: missense variant. On other transcripts: non-coding transcript variant (1).
Genome position (GRCh38, 1-based): chr1:5,887,412, C>T on the plus strand (G>A on the coding strand, the complement: NPHP4 is on the minus strand). VCF-style: chr1-5887412-C-T. GRCh37 (hg19) VCF-style: chr1-5947472-C-T.
Other names: c.820G>A, p.Val274Met (NM_001291593.2); c.823G>A, p.Val275Met (NM_001291594.2); c.2359G>A (NM_015102.3); short protein forms V274M, V275M, V787M.
Identifiers: ClinVar variation 1051187 (VCV001051187.8), dbSNP rs753373132, ClinGen allele CA554143.